The following is an entry in ClinVar:

NM_004525.3(LRP2):c.1633G>A (p.Gly545Ser)

Gene: LRP2 (LDL receptor related protein 2; minus strand). Cytogenetic location: 2q31.1.
Variant type: single nucleotide variant.
Coding change: c.1633G>A on transcript NM_004525.3 (MANE Select); coding-DNA position 1633, G replaced by A.
Protein change: p.Gly545Ser; replaces glycine 545 with serine.
Molecular consequence: missense variant.
Genome position (GRCh38, 1-based): chr2:169,277,884, C>T on the plus strand (G>A on the coding strand, the complement: LRP2 is on the minus strand). VCF-style: chr2-169277884-C-T. GRCh37 (hg19) VCF-style: chr2-170134394-C-T.
Other names: short protein forms G545S.
Identifiers: ClinVar variation 1046721 (VCV001046721.8), dbSNP rs1683597179, ClinGen allele CA349145967.

ClinVar aggregate classification (germline): Uncertain significance (1 of 4 stars; one submission).

Submission:

Labcorp Genetics (formerly Invitae), Labcorp
Classification: Uncertain significance. Last evaluated: 2020-10-04. Review status: criteria provided, single submitter. Criteria: Invitae Variant Classification Sherloc (09022015). Collection method: clinical testing. Allele origin: germline.
Comment: In summary, the available evidence is currently insufficient to determine the role of this variant in disease. Therefore, it has been classified as a Variant of Uncertain Significance. Advanced modeling of protein sequence and biophysical properties (such as structural, functional, and spatial information, amino acid conservation, physicochemical variation, residue mobility, and thermodynamic stability) performed at Invitae indicates that this missense variant is expected to disrupt LRP2 protein function. This variant has not been reported in the literature in individuals with LRP2-related conditions. This variant is not present in population databases (ExAC no frequency). This sequence change replaces glycine with serine at codon 545 of the LRP2 protein (p.Gly545Ser). The glycine residue is highly conserved and there is a small physicochemical difference between glycine and serine.